The following is an entry in ClinVar:

NM_001277115.2(DNAH11):c.10896+1G>T

Gene: DNAH11 (dynein axonemal heavy chain 11; plus strand). Cytogenetic location: 7p15.3.
Variant type: single nucleotide variant.
Coding change: c.10896+1G>T on transcript NM_001277115.2 (MANE Select); the canonical splice donor site of the intron after coding-DNA position 10896, G replaced by T.
Molecular consequence: splice donor variant.
Genome position (GRCh38, 1-based): chr7:21,842,749, G>T. VCF-style: chr7-21842749-G-T. GRCh37 (hg19) VCF-style: chr7-21882367-G-T.
Identifiers: ClinVar variation 4728046 (VCV004728046.2).
Genomic context (GRCh38, chr7:21,842,749, plus strand): 5'-GAAGCCCAGCTGCTGGCAGAGGTTGTCAGTATTGAAAGGCCAGATTTGGAGAAACTTAAG[G>T]TAAAAATGTTTACGTCACCACCAACACTTAGTCGGCATTTGCTTTGCACAAATCACAGTG-3'

ClinVar aggregate classification (germline): Pathogenic/Likely pathogenic. Review status: criteria provided, multiple submitters, no conflicts (2 of 4 stars). 2 submissions from 2 submitters: Pathogenic (1); Likely pathogenic (1). Last evaluated 2026-02-26.

Conditions:
Primary ciliary dyskinesia. Also called: Ciliary dyskinesia. Identifiers: Orphanet 244, MedGen C0008780, MONDO:0016575, HP:0012265.
Respiratory ciliopathies including non-CF bronchiectasis.

gnomAD v4.1: 8 of 1,604,182 alleles (0.0005%); highest among the groups gnomAD compares: Non-Finnish European, 0.00068%; no homozygotes.

Submissions (2):

NHS Central & South Genomic Laboratory Hub
Classification: Pathogenic for Respiratory ciliopathies including non-CF bronchiectasis. Last evaluated: 2026-02-26. Review status: criteria provided, single submitter. Criteria: ACMG Guidelines, 2015. Collection method: clinical testing. Allele origin: germline. Affected: yes.

Labcorp Genetics (formerly Invitae), Labcorp
Classification: Likely pathogenic for Primary ciliary dyskinesia. Last evaluated: 2025-09-28. Review status: criteria provided, single submitter. Criteria: Invitae Variant Classification Sherloc (09022015). Collection method: clinical testing. Allele origin: germline.
Comment: This sequence change affects a donor splice site in intron 66 of the DNAH11 gene. It is expected to disrupt RNA splicing. Variants that disrupt the donor or acceptor splice site typically lead to a loss of protein function (PMID: 16199547), and loss-of-function variants in DNAH11 are known to be pathogenic (PMID: 18022865, 20513915, 22184204). This variant is not present in population databases (gnomAD no frequency). This variant has not been reported in the literature in individuals affected with DNAH11-related conditions. Algorithms developed to predict the effect of sequence changes on RNA splicing suggest that this variant may disrupt the consensus splice site. In summary, the currently available evidence indicates that the variant is pathogenic, but additional data are needed to prove that conclusively. Therefore, this variant has been classified as Likely Pathogenic.

Literature cited by the submitters: PubMed 16199547 (cited by Labcorp Genetics (formerly Invitae), Labcorp); PubMed 18022865 (cited by Labcorp Genetics (formerly Invitae), Labcorp); PubMed 20513915 (cited by Labcorp Genetics (formerly Invitae), Labcorp); PubMed 22184204 (cited by Labcorp Genetics (formerly Invitae), Labcorp).